The following is an entry in ClinVar:

NM_031448.6(C19orf12):c.313G>A (p.Val105Met)

Gene: C19orf12 (chromosome 19 open reading frame 12; minus strand). Cytogenetic location: 19q12.
Variant type: single nucleotide variant.
Coding change: c.313G>A on transcript NM_031448.6 (MANE Select); coding-DNA position 313, G replaced by A.
Protein change: p.Val105Met; replaces valine 105 with methionine.
Molecular consequence: missense variant. On other transcripts: intron variant (1).
Genome position (GRCh38, 1-based): chr19:29,702,825, C>T on the plus strand (G>A on the coding strand, the complement: C19orf12 is on the minus strand). VCF-style: chr19-29702825-C-T. GRCh37 (hg19) VCF-style: chr19-30193732-C-T.
Other names: p.Val116Met; c.313G>A, p.Val105Met (NM_001031726.4, NM_001256047.2); c.121G>A, p.Val41Met (NM_001282929.1, NM_001282930.3, NM_001282931.3); c.290+23G>A (NM_001256046.3); short protein forms V116M, V105M, V41M.
Identifiers: ClinVar variation 286392 (VCV000286392.49), dbSNP rs146492790, ClinGen allele CA9351885.

ClinVar aggregate classification (germline): Conflicting classifications of pathogenicity. Review status: criteria provided, conflicting classifications (1 of 4 stars). 12 submissions from 12 submitters: Uncertain significance (4); Benign (1); Likely benign (5). 2 of the submissions do not count toward it. Last evaluated 2026-01-30.

Conditions:
C19orf12-related disorder. Also called: C19orf12-related condition.
Hereditary spastic paraplegia 43. Also called: Spastic paraplegia 43, autosomal recessive. Identifiers: Orphanet 320370, MedGen C2680446, MONDO:0014024, OMIM 615043.
Hereditary spastic paraplegia. Also called: Familial spastic paraparesis. Identifiers: Orphanet 685, MedGen C0037773, MONDO:0019064. Disease mechanism: loss of function.
Neurodegeneration with brain iron accumulation 4 (NBIA4). Also called: MITOCHONDRIAL PROTEIN-ASSOCIATED NEURODEGENERATION. Identifiers: Orphanet 289560, MedGen C3280371, MONDO:0013674, OMIM 614298. Disease mechanism: loss of function.

Allele frequency attached by ClinVar (database versions not stated): 1000 Genomes Project 30x 0.00016; ESP Exome Variant Server 0.00069; TOPMed 0.00082; gnomAD 0.00095 and 0.00096.
gnomAD v4.1: 2,246 of 1,614,056 alleles (0.14%); highest among the groups gnomAD compares: Non-Finnish European, 0.16%; 7 homozygotes.

Submissions (12):

Labcorp Genetics (formerly Invitae), Labcorp
Classification: Likely benign for Hereditary spastic paraplegia 43. Last evaluated: 2026-01-30. Review status: criteria provided, single submitter. Criteria: Invitae Variant Classification Sherloc (09022015). Collection method: clinical testing. Allele origin: germline.

CeGaT Center for Human Genetics Tuebingen
Classification: Likely benign. Last evaluated: 2025-11-01. Review status: criteria provided, single submitter. Criteria: CeGaT Center For Human Genetics Tuebingen Variant Classification Criteria Version 2. Collection method: clinical testing. Allele origin: germline. Affected: yes. Observed: 3 variant alleles.
Comment: C19orf12: BP4

GeneDx
Classification: Uncertain significance. Last evaluated: 2024-12-09. Review status: criteria provided, single submitter. Criteria: GeneDx Variant Classification Process June 2021. Collection method: clinical testing. Allele origin: germline. Affected: yes.
Comment: In silico analysis indicates that this missense variant does not alter protein structure/function; Has not been previously published as pathogenic or benign to our knowledge

Mayo Clinic Laboratories, Mayo Clinic
Classification: Benign. Last evaluated: 2024-12-09. Review status: criteria provided, single submitter. Criteria: ACMG Guidelines, 2015. Collection method: clinical testing. Allele origin: germline. Observed: 6 variant alleles.
Comment: BS1, BS2, BP4

Blueprint Genetics
Classification: Likely benign. Last evaluated: 2024-11-21. Review status: criteria provided, single submitter. Criteria: ACMG Guidelines, 2015. Collection method: clinical testing. Allele origin: germline.

PreventionGenetics, part of Exact Sciences
Classification: Likely benign for C19orf12-related condition. Last evaluated: 2024-11-03. Review status: criteria provided, single submitter. Criteria: ACMG Guidelines, 2015. Collection method: clinical testing. Allele origin: germline.
Comment: This variant is classified as likely benign based on ACMG/AMP sequence variant interpretation guidelines (Richards et al. 2015 PMID: 25741868, with internal and published modifications).

Women's Health and Genetics/Laboratory Corporation of America, LabCorp
Classification: Likely benign. Last evaluated: 2023-07-14. Review status: criteria provided, single submitter. Criteria: LabCorp Variant Classification Summary - May 2015. Collection method: clinical testing. Allele origin: germline.
Comment: Variant summary: C19orf12 c.313G>A (p.Val105Met) results in a conservative amino acid change in the encoded protein sequence. Four of five in-silico tools predict a benign effect of the variant on protein function. The variant allele was found at a frequency of 0.00097 in 251040 control chromosomes, predominantly at a frequency of 0.0015 within the Non-Finnish European subpopulation in the gnomAD database, including 1 homozygotes. The observed variant frequency within Non-Finnish European control individuals in the gnomAD database is approximately 2 fold of the estimated maximal expected allele frequency for a pathogenic variant in C19orf12 causing Neurodegeneration With Brain Iron Accumulation phenotype (0.0006), strongly suggesting that the variant is a benign polymorphism found primarily in populations of Non-Finnish European origin. To our knowledge, no occurrence of c.313G>A in individuals affected with Neurodegeneration With Brain Iron Accumulation and no experimental evidence demonstrating its impact on protein function have been reported. Five submitters have cited clinical-significance assessments for this variant to ClinVar after 2014 and classified the variant as likely benign (n=1) and VUS (n=4). Based on the evidence outlined above, the variant was classified as likely benign.

Genome Diagnostics Laboratory, The Hospital for Sick Children
Classification: Uncertain significance for Hereditary spastic paraplegia. Last evaluated: 2021-09-02. Review status: criteria provided, single submitter. Criteria: ACMG Guidelines, 2015. Collection method: clinical testing. Allele origin: germline. Affected: yes.

Illumina Laboratory Services, Illumina
Classification: Uncertain significance for Neurodegeneration with brain iron accumulation 4. Last evaluated: 2018-01-13. Review status: criteria provided, single submitter. Criteria: ICSL Variant Classification Criteria 13 December 2019. Collection method: clinical testing. Allele origin: germline.

Eurofins Ntd Llc (ga)
Classification: Uncertain significance. Last evaluated: 2016-02-29. Review status: criteria provided, single submitter. Criteria: EGL Classification Definitions 2015. Collection method: clinical testing. Allele origin: germline. Observed: 1 variant allele, 1 heterozygote.

Clinical Genetics DNA and cytogenetics Diagnostics Lab, Erasmus MC, Erasmus Medical Center
Classification: Likely benign. Review status: no assertion criteria provided. Collection method: clinical testing. Allele origin: germline. Affected: yes. Study: VKGL Data-share Consensus. Not counted in ClinVar's aggregate classification.

Genome Diagnostics Laboratory, Amsterdam University Medical Center
Classification: Likely benign. Review status: no assertion criteria provided. Collection method: clinical testing. Allele origin: germline. Affected: yes. Study: VKGL Data-share Consensus. Not counted in ClinVar's aggregate classification.